The following is an entry in ClinVar:

NM_005559.4(LAMA1):c.1619C>T (p.Pro540Leu)

Gene: LAMA1 (laminin subunit alpha 1; minus strand). Cytogenetic location: 18p11.31.
Variant type: single nucleotide variant.
Coding change: c.1619C>T on transcript NM_005559.4 (MANE Select); coding-DNA position 1619, C replaced by T.
Protein change: p.Pro540Leu; replaces proline 540 with leucine.
Molecular consequence: missense variant.
Genome position (GRCh38, 1-based): chr18:7,037,696, G>A on the plus strand (C>T on the coding strand, the complement: LAMA1 is on the minus strand). VCF-style: chr18-7037696-G-A. GRCh37 (hg19) VCF-style: chr18-7037695-G-A.
Other names: short protein forms P540L.
Identifiers: ClinVar variation 1030928 (VCV001030928.8), dbSNP rs140908403, ClinGen allele CA8882939.

ClinVar aggregate classification (germline): Conflicting classifications of pathogenicity. Review status: criteria provided, conflicting classifications (1 of 4 stars). 4 submissions from 4 submitters: Uncertain significance (3); Likely benign (1). Last evaluated 2024-11-26.

Conditions:
Ataxia - intellectual disability - oculomotor apraxia - cerebellar cysts syndrome. Also called: Poretti-Boltshauser syndrome. Identifiers: Orphanet 370022, MedGen C4014821, MONDO:0014419, OMIM 615960.
Inborn genetic diseases. Identifiers: MedGen C0950123, MeSH D030342.

Allele frequency attached by ClinVar (database versions not stated): ESP Exome Variant Server 0.00023; ExAC 0.00025; gnomAD 0.00038 and 0.00041; 1000 Genomes Project 0.00040; TOPMed 0.00046; 1000 Genomes Project 30x 0.00062.
gnomAD v4.1: 759 of 1,614,168 alleles (0.047%); highest among the groups gnomAD compares: Admixed American, 0.088%; no homozygotes.

Submissions (4):

Blueprint Genetics
Classification: Likely benign. Last evaluated: 2024-11-26. Review status: criteria provided, single submitter. Criteria: ACMG Guidelines, 2015. Collection method: clinical testing. Allele origin: germline.

Labcorp Genetics (formerly Invitae), Labcorp
Classification: Uncertain significance. Last evaluated: 2022-07-06. Review status: criteria provided, single submitter. Criteria: Invitae Variant Classification Sherloc (09022015). Collection method: clinical testing. Allele origin: germline.
Comment: This sequence change replaces proline, which is neutral and non-polar, with leucine, which is neutral and non-polar, at codon 540 of the LAMA1 protein (p.Pro540Leu). This variant is present in population databases (rs140908403, gnomAD 0.1%). This variant has not been reported in the literature in individuals affected with LAMA1-related conditions. ClinVar contains an entry for this variant (Variation ID: 1030928). Algorithms developed to predict the effect of missense changes on protein structure and function output the following: SIFT: "Tolerated"; PolyPhen-2: "Benign"; Align-GVGD: "Class C0". The leucine amino acid residue is found in multiple mammalian species, which suggests that this missense change does not adversely affect protein function. In summary, the available evidence is currently insufficient to determine the role of this variant in disease. Therefore, it has been classified as a Variant of Uncertain Significance.

Ambry Genetics
Classification: Uncertain significance for Inborn genetic diseases. Last evaluated: 2022-06-17. Review status: criteria provided, single submitter. Criteria: Ambry Variant Classification Scheme 2023. Collection method: clinical testing. Allele origin: germline.

Baylor Genetics
Classification: Uncertain significance for Ataxia - intellectual disability - oculomotor apraxia - cerebellar cysts syndrome. Last evaluated: 2019-12-06. Review status: criteria provided, single submitter. Criteria: ACMG Guidelines, 2015. Collection method: clinical testing. Allele origin: unknown. Affected: yes.
Comment: This variant was determined to be of uncertain significance according to ACMG Guidelines, 2015 [PMID:25741868].